The following is an entry in ClinVar:

NM_004304.5(ALK):c.4052C>A (p.Pro1351His)

Gene: ALK (ALK receptor tyrosine kinase; minus strand). Cytogenetic location: 2p23.2.
Variant type: single nucleotide variant.
Coding change: c.4052C>A on transcript NM_004304.5 (MANE Select); coding-DNA position 4052, C replaced by A.
Protein change: p.Pro1351His; replaces proline 1351 with histidine.
Molecular consequence: missense variant.
Genome position (GRCh38, 1-based): chr2:29,197,563, G>T on the plus strand (C>A on the coding strand, the complement: ALK is on the minus strand). VCF-style: chr2-29197563-G-T. GRCh37 (hg19) VCF-style: chr2-29420429-G-T.
Other names: c.848C>A, p.Pro283His (NM_001353765.2); short protein forms P283H, P1351H.
Identifiers: ClinVar variation 965394 (VCV000965394.13), dbSNP rs1669054292, ClinGen allele CA346465882.

ClinVar aggregate classification (germline): Uncertain significance. Review status: criteria provided, multiple submitters, no conflicts (2 of 4 stars). 2 submissions from 2 submitters: Uncertain significance (2). Last evaluated 2025-03-05.

Conditions:
Hereditary cancer-predisposing syndrome. Also called: Hereditary neoplastic syndrome; Hereditary Cancer Syndrome; Tumor predisposition; Neoplastic Syndromes, Hereditary. Identifiers: Orphanet 140162, MedGen C0027672, MeSH D009386, MONDO:0015356.
Neuroblastoma, susceptibility to, 3. Also called: ALK-Related Neuroblastic Tumor Susceptibility. Identifiers: Orphanet 635, MedGen C2751681, MONDO:0013083, OMIM 613014.

Allele frequency attached by ClinVar (database versions not stated): gnomAD exomes below 0.00001.
gnomAD v4.1: 3 of 1,613,644 alleles (0.00019%); highest among the groups gnomAD compares: Non-Finnish European, 0.00025%; no homozygotes.

Submissions (2):

Labcorp Genetics (formerly Invitae), Labcorp
Classification: Uncertain significance for Neuroblastoma, susceptibility to, 3. Last evaluated: 2025-03-05. Review status: criteria provided, single submitter. Criteria: Invitae Variant Classification Sherloc (09022015). Collection method: clinical testing. Allele origin: germline.
Comment: This sequence change replaces proline, which is neutral and non-polar, with histidine, which is basic and polar, at codon 1351 of the ALK protein (p.Pro1351His). This variant is not present in population databases (gnomAD no frequency). This variant has not been reported in the literature in individuals affected with ALK-related conditions. ClinVar contains an entry for this variant (Variation ID: 965394). An algorithm developed to predict the effect of missense changes on protein structure and function (PolyPhen-2) suggests that this variant is likely to be disruptive. In summary, the available evidence is currently insufficient to determine the role of this variant in disease. Therefore, it has been classified as a Variant of Uncertain Significance.

Ambry Genetics
Classification: Uncertain significance for Hereditary cancer-predisposing syndrome. Last evaluated: 2024-05-16. Review status: criteria provided, single submitter. Criteria: Ambry Variant Classification Scheme 2023. Collection method: clinical testing. Allele origin: germline.
Comment: The p.P1351H variant (also known as c.4052C>A), located in coding exon 27 of the ALK gene, results from a C to A substitution at nucleotide position 4052. The proline at codon 1351 is replaced by histidine, an amino acid with similar properties. This amino acid position is highly conserved in available vertebrate species. In addition, this alteration is predicted to be deleterious by in silico analysis. Since supporting evidence is limited at this time, the clinical significance of this alteration remains unclear.